The following is an entry in ClinVar:

NM_006092.4(NOD1):c.2537+394T>A

Gene: NOD1 (nucleotide binding oligomerization domain containing 1; minus strand). Cytogenetic location: 7p14.3.
Variant type: single nucleotide variant.
Coding change: c.2537+394T>A on transcript NM_006092.4 (MANE Select); 394 bases into the intron after coding-DNA position 2537, T replaced by A.
Molecular consequence: intron variant.
Genome position (GRCh38, 1-based): chr7:30,437,179, A>T on the plus strand (T>A on the coding strand, the complement: NOD1 is on the minus strand). VCF-style: chr7-30437179-A-T. GRCh37 (hg19) VCF-style: chr7-30476795-A-T.
Other names: c.2454-1098T>A (NM_001354849.2).
Identifiers: ClinVar variation 103105 (VCV000103105.2), dbSNP rs199476275, ClinGen allele CA230122.
Genomic context (GRCh38, chr7:30,437,179, plus strand): 5'-CAGGAACAAAAAACCAAACACTGCATGTTCTCACTCGTAAGTGGGAGTTGAACAATGAGA[A>T]CACATGGACACATGGAGGGGAACAACACACACCAGGGCCTGTTGGGGGTGGGGGGCAAGG-3'

ClinVar aggregate classification (germline): not provided (0 of 4 stars; one submission).

Allele frequency attached by ClinVar (database versions not stated): gnomAD 0.00001.
gnomAD v4.1: 1 of 152,216 alleles (0.00066%); highest among the groups gnomAD compares: East Asian, 0.019%; no homozygotes.

Submission:

Human Evolutionary Genetics, Institut Pasteur
No classification provided. Review status: no classification provided. Collection method: not provided. Allele origin: germline.
ClinVar note: Converted during submission from untested to not provided.